The following is an entry in ClinVar:

ClinVar aggregate classification (germline): Uncertain significance (1 of 4 stars; one submission).

Conditions:
Dyskeratosis congenita. Identifiers: Orphanet 1775, MedGen C0265965, MONDO:0015780.

Allele frequency attached by ClinVar (database versions not stated): gnomAD 0.00001; gnomAD exomes 0.00001; ExAC 0.00002.
gnomAD v4.1: 12 of 1,614,024 alleles (0.00074%); highest among the groups gnomAD compares: Non-Finnish European, 0.001%; no homozygotes.

Submission:

Labcorp Genetics (formerly Invitae), Labcorp
Classification: Uncertain significance for Dyskeratosis congenita. Last evaluated: 2021-11-28. Review status: criteria provided, single submitter. Criteria: Invitae Variant Classification Sherloc (09022015). Collection method: clinical testing. Allele origin: germline.
Comment: In summary, the available evidence is currently insufficient to determine the role of this variant in disease. Therefore, it has been classified as a Variant of Uncertain Significance. Algorithms developed to predict the effect of missense changes on protein structure and function are either unavailable or do not agree on the potential impact of this missense change (SIFT: "Tolerated"; PolyPhen-2: "Probably Damaging"; Align-GVGD: "Class C0"). This variant has not been reported in the literature in individuals affected with CTC1-related conditions. This variant is present in population databases (rs750104621, gnomAD 0.002%). This sequence change replaces proline, which is neutral and non-polar, with serine, which is neutral and polar, at codon 670 of the CTC1 protein (p.Pro670Ser).

NM_025099.6(CTC1):c.2008C>T (p.Pro670Ser)

Gene: CTC1 (CST telomere replication complex component 1; minus strand). Cytogenetic location: 17p13.1.
Variant type: single nucleotide variant.
Coding change: c.2008C>T on transcript NM_025099.6 (MANE Select); coding-DNA position 2008, C replaced by T.
Protein change: p.Pro670Ser; replaces proline 670 with serine.
Molecular consequence: missense variant. On other transcripts: non-coding transcript variant (1).
Genome position (GRCh38, 1-based): chr17:8,232,413, G>A on the plus strand (C>T on the coding strand, the complement: CTC1 is on the minus strand). VCF-style: chr17-8232413-G-A. GRCh37 (hg19) VCF-style: chr17-8135731-G-A.
Other names: short protein forms P670S.
Identifiers: ClinVar variation 1400585 (VCV001400585.6), dbSNP rs750104621, ClinGen allele CA8372203.
Genomic context (GRCh38, chr17:8,232,413, plus strand): 5'-GAGCCAACCTGGCCTGCTGCTTCTGGATGAAGCCTGGCATGCTCAGCTCCTTCCAGGAAG[G>A]GAAGCTGCTTCTCACGTCCCTCTCTACGATCAACTGAAACCTCTCTGCCCGCACCAGGCA-3'
Protein context (NP_079375.3, residues 660-680): IVERDVRSSF[Pro670Ser]SWKELSMPGF